The following is an entry in ClinVar:

ClinVar aggregate classification (germline): Uncertain significance (1 of 4 stars; one submission).

Conditions:
Intellectual developmental disorder, autosomal dominant 65. Also called: MENTAL RETARDATION, AUTOSOMAL DOMINANT 65. Identifiers: MedGen C5543371, MONDO:0023657, OMIM 619320.

Submission:

Dasa
Classification: Uncertain significance for Intellectual developmental disorder, autosomal dominant 65. Last evaluated: 2025-07-13. Review status: criteria provided, single submitter. Criteria: DASA Assertion Criteria. Collection method: clinical testing. Allele origin: germline.
Comment: NM_015015.3(KDM4B):c.1514C>T (p.Pro505Leu) is a missense variant that results in the substitution of proline with leucine. This variant is absent from population databases. Computational prediction algorithms are consistent with a benign effect. The currently available literature and clinical evidence are not sufficient to establish a definitive association between this variant and the reported condition. Therefore, this variant is classified as a variant of uncertain significance.

NM_015015.3(KDM4B):c.1514C>T (p.Pro505Leu)

Gene: KDM4B (lysine demethylase 4B; plus strand). Cytogenetic location: 19p13.3.
Variant type: single nucleotide variant.
Coding change: c.1514C>T on transcript NM_015015.3 (MANE Select); coding-DNA position 1514, C replaced by T.
Protein change: p.Pro505Leu; replaces proline 505 with leucine.
Molecular consequence: missense variant.
Genome position (GRCh38, 1-based): chr19:5,131,274, C>T. VCF-style: chr19-5131274-C-T. GRCh37 (hg19) VCF-style: chr19-5131285-C-T.
Other names: c.1616C>T, p.Pro539Leu (NM_001411148.1); short protein forms P505L, P539L.
Identifiers: ClinVar variation 4883569 (VCV004883569.2).